The following is an entry in ClinVar:

NM_007194.4(CHEK2):c.160C>T (p.His54Tyr)

Gene: CHEK2 (checkpoint kinase 2; minus strand). Cytogenetic location: 22q12.1.
Variant type: single nucleotide variant.
Coding change: c.160C>T on transcript NM_007194.4 (MANE Select); coding-DNA position 160, C replaced by T.
Protein change: p.His54Tyr; replaces histidine 54 with tyrosine.
Molecular consequence: missense variant.
Genome position (GRCh38, 1-based): chr22:28,734,562, G>A on the plus strand (C>T on the coding strand, the complement: CHEK2 is on the minus strand). VCF-style: chr22-28734562-G-A. GRCh37 (hg19) VCF-style: chr22-29130550-G-A.
Other names: c.160C>T, p.His54Tyr (NM_001005735.3, NM_001349956.3, NM_145862.3); c.-618C>T (NM_001257387.3); short protein forms H54Y.
Identifiers: ClinVar variation 1776363 (VCV001776363.2), dbSNP rs2146149461, ClinGen allele CA411090957.

ClinVar aggregate classification (germline): Uncertain significance (1 of 4 stars; one submission).

Conditions:
Hereditary cancer-predisposing syndrome. Also called: Neoplastic Syndromes, Hereditary; Tumor predisposition; Hereditary Cancer Syndrome; Hereditary neoplastic syndrome. Identifiers: Orphanet 140162, MedGen C0027672, MeSH D009386, MONDO:0015356.

Submission:

Ambry Genetics
Classification: Uncertain significance for Hereditary cancer-predisposing syndrome. Last evaluated: 2021-12-24. Review status: criteria provided, single submitter. Criteria: Ambry Variant Classification Scheme 2023. Collection method: clinical testing. Allele origin: germline.
Comment: The p.H54Y variant (also known as c.160C>T), located in coding exon 1 of the CHEK2 gene, results from a C to T substitution at nucleotide position 160. The histidine at codon 54 is replaced by tyrosine, an amino acid with similar properties. This amino acid position is conserved. In addition, this alteration is predicted to be tolerated by in silico analysis. Since supporting evidence is limited at this time, the clinical significance of this alteration remains unclear.